The following is an entry in ClinVar:

NM_000834.5(GRIN2B):c.2083A>G (p.Ile695Val)

Gene: GRIN2B (glutamate ionotropic receptor NMDA type subunit 2B; minus strand). Cytogenetic location: 12p13.1.
Variant type: single nucleotide variant.
Coding change: c.2083A>G on transcript NM_000834.5 (MANE Select); coding-DNA position 2083, A replaced by G.
Protein change: p.Ile695Val; replaces isoleucine 695 with valine.
Molecular consequence: missense variant.
Genome position (GRCh38, 1-based): chr12:13,571,892, T>C on the plus strand (A>G on the coding strand, the complement: GRIN2B is on the minus strand). VCF-style: chr12-13571892-T-C. GRCh37 (hg19) VCF-style: chr12-13724826-T-C.
Other names: c.2083A>G, p.Ile695Val (NM_001413992.1); short protein forms I695V.
Identifiers: ClinVar variation 2943741 (VCV002943741.3), dbSNP rs2497485789, ClinGen allele CA383999505.

ClinVar aggregate classification (germline): Uncertain significance (1 of 4 stars; one submission).

Conditions:
Intellectual developmental disorder, autosomal dominant 6, with or without seizures. Also called: GRIN2B-related developmental delay, intellectual disability and autism spectrum disorder; Intellectual disability, autosomal dominant 6. Identifiers: Orphanet 589547, MedGen C3151411, MONDO:0013509, OMIM 613970.
Developmental and epileptic encephalopathy, 27 (DEE27). Also called: Epileptic encephalopathy, early infantile, 27; GRIN2B-Related Neurodevelopmental Disorder. Identifiers: Orphanet 3451, MedGen C4015316, MONDO:0014505, OMIM 616139.

Submission:

Labcorp Genetics (formerly Invitae), Labcorp
Classification: Uncertain significance for Developmental and epileptic encephalopathy, 27; Intellectual developmental disorder, autosomal dominant 6, with or without seizures. Last evaluated: 2023-08-04. Review status: criteria provided, single submitter. Criteria: Invitae Variant Classification Sherloc (09022015). Collection method: clinical testing. Allele origin: germline.
Comment: In summary, the available evidence is currently insufficient to determine the role of this variant in disease. Therefore, it has been classified as a Variant of Uncertain Significance. This variant disrupts the p.Ile695 amino acid residue in GRIN2B. Other variant(s) that disrupt this residue have been determined to be pathogenic (PMID: 28377535). This suggests that this residue is clinically significant, and that variants that disrupt this residue are likely to be disease-causing. Advanced modeling of protein sequence and biophysical properties (such as structural, functional, and spatial information, amino acid conservation, physicochemical variation, residue mobility, and thermodynamic stability) has been performed at Invitae for this missense variant, however the output from this modeling did not meet the statistical confidence thresholds required to predict the impact of this variant on GRIN2B protein function. This variant has not been reported in the literature in individuals affected with GRIN2B-related conditions. This variant is not present in population databases (gnomAD no frequency). This sequence change replaces isoleucine, which is neutral and non-polar, with valine, which is neutral and non-polar, at codon 695 of the GRIN2B protein (p.Ile695Val).

Literature cited by the submitters: PubMed 28377535.